The following is an entry in ClinVar:

ClinVar aggregate classification (germline): Uncertain significance (1 of 4 stars; one submission).

Submission:

GeneDx
Classification: Uncertain significance. Last evaluated: 2026-10-13. Review status: criteria provided, single submitter. Criteria: GeneDx Variant Classification Process June 2021. Collection method: clinical testing. Allele origin: germline.
Comment: Not observed at significant frequency in large population cohorts (gnomAD); In silico analysis suggests that this missense variant does not alter protein structure/function; Has not been previously published as pathogenic or benign to our knowledge

NM_016120.4(RLIM):c.946C>T (p.Pro316Ser)

Gene: RLIM (ring finger protein, LIM domain interacting; minus strand). Cytogenetic location: Xq13.2.
Variant type: single nucleotide variant.
Coding change: c.946C>T on transcript NM_016120.4 (MANE Select); coding-DNA position 946, C replaced by T.
Protein change: p.Pro316Ser; replaces proline 316 with serine.
Molecular consequence: missense variant.
Genome position (GRCh38, 1-based): chrX:74,592,369, G>A on the plus strand (C>T on the coding strand, the complement: RLIM is on the minus strand). VCF-style: chrX-74592369-G-A. GRCh37 (hg19) VCF-style: chrX-73812204-G-A.
Other names: c.946C>T, p.Pro316Ser (NM_183353.3); short protein forms P316S.
Identifiers: ClinVar variation 4540362 (VCV004540362.2).